The following is an entry in ClinVar:

NM_018834.6(MATR3):c.1906G>A (p.Glu636Lys)

Genes: MATR3 (matrin 3; plus strand), LOC126807526 (CDK7 strongly-dependent group 2 enhancer GRCh37_chr5:138657767-138658966; plus strand). Cytogenetic location: 5q31.2.
Variant type: single nucleotide variant.
Coding change: c.1906G>A on transcript NM_018834.6 (MANE Select); coding-DNA position 1906, G replaced by A.
Protein change: p.Glu636Lys; replaces glutamic acid 636 with lysine.
Molecular consequence: missense variant.
Genome position (GRCh38, 1-based): chr5:139,322,725, G>A. VCF-style: chr5-139322725-G-A. GRCh37 (hg19) VCF-style: chr5-138658414-G-A.
Other names: c.1906G>A, p.Glu636Lys (NM_001194954.2, NM_001194955.2, NM_001400441.1 and 16 more transcripts); c.1042G>A, p.Glu348Lys (NM_001194956.2); c.892G>A, p.Glu298Lys (NM_001282278.2, NM_001400460.1, NM_001400462.1 and 5 more transcripts); c.1045G>A, p.Glu349Lys (NM_001400459.1); c.1006G>A, p.Glu336Lys (NM_001400461.1); short protein forms E349K, E636K, E298K, E336K, E348K.
Identifiers: ClinVar variation 4741649 (VCV004741649.1).

ClinVar aggregate classification (germline): Uncertain significance (1 of 4 stars; one submission).

Conditions:
Amyotrophic lateral sclerosis type 21. Also called: MYOPATHY, DISTAL, 2; VOCAL CORD AND PHARYNGEAL DYSFUNCTION WITH DISTAL MYOPATHY. Identifiers: Orphanet 600, Orphanet 803, MedGen C3807521, MONDO:0011632, OMIM 606070.

gnomAD v4.1: 2 of 1,614,154 alleles (0.00012%); highest among the groups gnomAD compares: Non-Finnish European, 0.00017%; no homozygotes.

Submission:

Labcorp Genetics (formerly Invitae), Labcorp
Classification: Uncertain significance for Amyotrophic lateral sclerosis type 21. Last evaluated: 2025-07-23. Review status: criteria provided, single submitter. Criteria: Invitae Variant Classification Sherloc (09022015). Collection method: clinical testing. Allele origin: germline.
Comment: This sequence change replaces glutamic acid, which is acidic and polar, with lysine, which is basic and polar, at codon 636 of the MATR3 protein (p.Glu636Lys). This variant is not present in population databases (gnomAD no frequency). This variant has not been reported in the literature in individuals affected with MATR3-related conditions. Invitae Evidence Modeling of protein sequence and biophysical properties (such as structural, functional, and spatial information, amino acid conservation, physicochemical variation, residue mobility, and thermodynamic stability) indicates that this missense variant is not expected to disrupt MATR3 protein function with a negative predictive value of 80%. In summary, the available evidence is currently insufficient to determine the role of this variant in disease. Therefore, it has been classified as a Variant of Uncertain Significance.